The following is an entry in ClinVar:

NM_000038.6(APC):c.4327C>G (p.Pro1443Ala)

Gene: APC (APC regulator of Wnt signaling pathway; plus strand). Cytogenetic location: 5q22.2.
Variant type: single nucleotide variant.
Coding change: c.4327C>G on transcript NM_000038.6 (MANE Select); coding-DNA position 4327, C replaced by G.
Protein change: p.Pro1443Ala; replaces proline 1443 with alanine.
Molecular consequence: missense variant.
Genome position (GRCh38, 1-based): chr5:112,839,921, C>G. VCF-style: chr5-112839921-C-G. GRCh37 (hg19) VCF-style: chr5-112175618-C-G.
Other names: c.4327C>G, p.Pro1443Ala (NM_001127510.3, NM_001354895.2); c.4273C>G, p.Pro1425Ala (NM_001127511.3); c.4381C>G, p.Pro1461Ala (NM_001354896.2); c.4357C>G, p.Pro1453Ala (NM_001354897.2); c.4252C>G, p.Pro1418Ala (NM_001354898.2); c.4243C>G, p.Pro1415Ala (NM_001354899.2); c.4204C>G, p.Pro1402Ala (NM_001354900.2); c.4150C>G, p.Pro1384Ala (NM_001354901.2); and 5 more; short protein forms P1283A, P1342A, P1415A, P1160A, P1402A, P1418A, P1443A, P1352A.
Identifiers: ClinVar variation 948637 (VCV000948637.11), dbSNP rs1765653000, ClinGen allele CA16030814.

ClinVar aggregate classification (germline): Uncertain significance (1 of 4 stars; one submission).

Conditions:
Familial adenomatous polyposis 1 (FAP1). Also called: FAMILIAL ADENOMATOUS POLYPOSIS 1, ATTENUATED; POLYPOSIS, ADENOMATOUS INTESTINAL. Identifiers: MedGen C2713442, MONDO:0021056, OMIM 175100. Disease mechanism: loss of function.

Submission:

Labcorp Genetics (formerly Invitae), Labcorp
Classification: Uncertain significance for Familial adenomatous polyposis 1. Last evaluated: 2019-06-30. Review status: criteria provided, single submitter. Criteria: Invitae Variant Classification Sherloc (09022015). Collection method: clinical testing. Allele origin: germline.
Comment: This sequence change replaces proline with alanine at codon 1443 of the APC protein (p.Pro1443Ala). The proline residue is moderately conserved and there is a small physicochemical difference between proline and alanine. This variant is not present in population databases (ExAC no frequency). This variant has not been reported in the literature in individuals with APC-related conditions. Algorithms developed to predict the effect of missense changes on protein structure and function (SIFT, PolyPhen-2, Align-GVGD) all suggest that this variant is likely to be tolerated, but these predictions have not been confirmed by published functional studies and their clinical significance is uncertain. In summary, the available evidence is currently insufficient to determine the role of this variant in disease. Therefore, it has been classified as a Variant of Uncertain Significance.